The following is an entry in ClinVar:

ClinVar aggregate classification (germline): Uncertain significance (1 of 4 stars; one submission).

gnomAD v4.1: 10 of 1,614,096 alleles (0.00062%); highest among the groups gnomAD compares: Non-Finnish European, 0.00034%; no homozygotes.

Submission:

GeneDx
Classification: Uncertain significance. Last evaluated: 2026-03-04. Review status: criteria provided, single submitter. Criteria: GeneDx Variant Classification Process June 2021. Collection method: clinical testing. Allele origin: germline.
Comment: In silico analysis suggests that this missense variant does not alter protein structure/function; Has not been previously published as pathogenic or benign to our knowledge

NM_000901.5(NR3C2):c.407A>G (p.Asn136Ser)

Gene: NR3C2 (nuclear receptor subfamily 3 group C member 2; minus strand). Cytogenetic location: 4q31.23.
Variant type: single nucleotide variant.
Coding change: c.407A>G on transcript NM_000901.5 (MANE Select); coding-DNA position 407, A replaced by G.
Protein change: p.Asn136Ser; replaces asparagine 136 with serine.
Molecular consequence: missense variant. On other transcripts: non-coding transcript variant (1).
Genome position (GRCh38, 1-based): chr4:148,436,454, T>C on the plus strand (A>G on the coding strand, the complement: NR3C2 is on the minus strand). VCF-style: chr4-148436454-T-C. GRCh37 (hg19) VCF-style: chr4-149357606-T-C.
Other names: c.407A>G, p.Asn136Ser (NM_001166104.2, NM_001354819.1, NM_001437654.1 and 4 more transcripts); short protein forms N136S.
Identifiers: ClinVar variation 5007986 (VCV005007986.1).
Genomic context (GRCh38, chr4:148,436,454, plus strand): 5'-CAACTTAGAGTGGAAGGACGATGGCCATTTCCTTTGTAAAATTTCACCAGCTGTTCAACA[T>C]TCTGATAAATCTTAGCTGGACTCATGCTTCCTTGTTGGTTCTGCTGCTCATAGGAATAGT-3'
Protein context (NP_000892.2, residues 126-146): GSMSPAKIYQ[Asn136Ser]VEQLVKFYKG